The following is an entry in ClinVar:

NM_001358921.2(COQ2):c.762+264T>C

Gene: COQ2 (coenzyme Q2, polyprenyltransferase; minus strand). Cytogenetic location: 4q21.23.
Variant type: single nucleotide variant.
Coding change: c.762+264T>C on transcript NM_001358921.2 (MANE Select); 264 bases into the intron after coding-DNA position 762, T replaced by C.
Molecular consequence: intron variant.
Genome position (GRCh38, 1-based): chr4:83,269,596, A>G on the plus strand (T>C on the coding strand, the complement: COQ2 is on the minus strand). VCF-style: chr4-83269596-A-G. GRCh37 (hg19) VCF-style: chr4-84190749-A-G.
Other names: c.912+264T>C (NM_015697.9).
Identifiers: ClinVar variation 683554 (VCV000683554.1), dbSNP rs6535453, ClinGen allele CA15331143.

ClinVar aggregate classification (germline): Benign (1 of 4 stars; one submission).

Allele frequency attached by ClinVar (database versions not stated): TOPMed 0.74394; gnomAD 0.74883 and 0.74907; 1000 Genomes Project 0.77835; 1000 Genomes Project 30x 0.77936.
gnomAD v4.1: 113,945 of 152,160 alleles (75%); highest among the groups gnomAD compares: East Asian, 85%; 42,876 homozygotes.

Submission:

GeneDx
Classification: Benign. Last evaluated: 2018-06-14. Review status: criteria provided, single submitter. Criteria: GeneDx Variant Classification (06012015). Collection method: clinical testing. Allele origin: germline. Affected: yes.
Comment: This variant is considered likely benign or benign based on one or more of the following criteria: it is a conservative change, it occurs at a poorly conserved position in the protein, it is predicted to be benign by multiple in silico algorithms, and/or has population frequency not consistent with disease.